The following is an entry in ClinVar:

ClinVar aggregate classification (germline): Uncertain significance (1 of 4 stars; one submission).

Conditions:
Catecholaminergic polymorphic ventricular tachycardia (CVPT). Also called: Catecholamine-induced polymorphic ventricular tachycardia. Identifiers: Orphanet 3286, MedGen C5574922, MONDO:0017990.

Allele frequency attached by ClinVar (database versions not stated): gnomAD exomes below 0.00001.

Submission:

All of Us Research Program, National Institutes of Health
Classification: Uncertain significance for Catecholaminergic polymorphic ventricular tachycardia. Last evaluated: 2023-04-27. Review status: criteria provided, single submitter. Criteria: ACMG Guidelines, 2015. Collection method: clinical testing. Allele origin: germline. Inheritance: Autosomal dominant inheritance. Observed: 1 variant allele, 1 heterozygote.
Comment: This study involves interpretation of variants in research participants for the purpose of population health screening. Participant phenotype was not available at the time of variant classification. Additional details can be found in publication PMID: 35346344, PMCID: PMC8962531

NM_001035.3(RYR2):c.7299_7312del (p.Gly2434fs)

Gene: RYR2 (ryanodine receptor 2; plus strand). Cytogenetic location: 1q43.
Variant type: Deletion.
Coding change: c.7299_7312del on transcript NM_001035.3 (MANE Select); coding-DNA positions 7299 to 7312, 14 bases deleted (GGGCGTTATCAGCA).
Protein change: p.Gly2434fs; shifts the reading frame from glycine 2434.
Molecular consequence: frameshift variant.
Genome position (GRCh38, 1-based): chr1:237,643,404-237,643,417, GGGCGTTATCAGCA deleted. VCF-style (leftmost placement, unchanged base first): chr1-237643403-TGGGCGTTATCAGCA-T. GRCh37 (hg19) VCF-style: chr1-237806703-TGGGCGTTATCAGCA-T.
Other names: short protein forms G2434fs.
Identifiers: ClinVar variation 3070622 (VCV003070622.1), dbSNP rs1323492081, ClinGen allele CA529546098.
Genomic context (GRCh38, chr1:237,643,403, plus strand): 5'-AGGGAGAAGCCATCAGAATTAGGTCCATTTTGAGATCCCTCATTCCCCTGGGAGATTTGG[TGGGCGTTATCAGCA>T]TCGCTTTTCAGATGCCAACAATAGCCAAAGGTAAGGCCAACTTCAATTTGTCCTAATTCA-3'